The following is an entry in ClinVar:

NM_006796.3(AFG3L2):c.1168C>T (p.Arg390Ter)

Gene: AFG3L2 (AFG3 like matrix AAA peptidase subunit 2; minus strand). Cytogenetic location: 18p11.21.
Variant type: single nucleotide variant.
Coding change: c.1168C>T on transcript NM_006796.3 (MANE Select); coding-DNA position 1168, C replaced by T.
Protein change: p.Arg390Ter; replaces arginine 390 with a stop codon.
Molecular consequence: nonsense.
Genome position (GRCh38, 1-based): chr18:12,353,155, G>A on the plus strand (C>T on the coding strand, the complement: AFG3L2 is on the minus strand). VCF-style: chr18-12353155-G-A. GRCh37 (hg19) VCF-style: chr18-12353154-G-A.
Other names: short protein forms R390*.
Identifiers: ClinVar variation 3377390 (VCV003377390.1).
Genomic context (GRCh38, chr18:12,353,155, plus strand): 5'-CGATTTCATCGATGAAGAGGATGCAAGGGGCATTCTTCCGAGCAAGGGCAAATAAGTCTC[G>A]GACCTTGGCAAAAACAGAAAGAGAGTCACCTGACCAGAGAATATTATGTATTCTCTGAAT-3'

ClinVar aggregate classification (germline): Pathogenic (1 of 4 stars; one submission).

Conditions:
Spinocerebellar ataxia type 28 (SCA28). Also called: Spinocerebellar Ataxia Type 28 (SCA28). Identifiers: Orphanet 101109, MedGen C1853249, MONDO:0012450, OMIM 610246.

gnomAD v4.1: 9 of 1,613,726 alleles (0.00056%); highest among the groups gnomAD compares: Non-Finnish European, 0.00068%; no homozygotes.

Submission:

Victorian Clinical Genetics Services, Murdoch Childrens Research Institute
Classification: Pathogenic for Spinocerebellar ataxia type 28. Last evaluated: 2022-06-24. Review status: criteria provided, single submitter. Criteria: ACMG Guidelines, 2015. Collection method: clinical testing. Allele origin: germline. Inheritance: Autosomal dominant inheritance.
Comment: Based on the classification scheme VCGS_Germline_v1.3.4, this variant is classified as Pathogenic. Following criteria are met: 0102 - Loss of function is a known mechanism of disease in this gene and is associated with spastic ataxia 5 (SPAX5; MIM#614487), spinocerebellar ataxia 28 (SCA28; MIM#610246), and optic atrophy 12 (MIM#618977). However, some missense variants causing SCA28 have also demonstrated a dominant negative affect on protein (PMID: 30910913, PMID: 34333379, PMID: 20208537). (I) 0108 - This gene is associated with both recessive and dominant disease (OMIM). (I) 0201 - Variant is predicted to cause nonsense-mediated decay (NMD) and loss of protein (premature termination codon is located at least 54 nucleotides upstream of the final exon-exon junction). (SP) 0251 - This variant is heterozygous. (I) 0302 - Variant is present in gnomAD (v2, v3) <0.001 for a dominant condition (2 heterozygotes, 0 homozygotes). (SP) 0701 - Other NMD-predicted variants comparable to the one identified in this case have very strong previous evidence for pathogenicity. These variants have been reported multiple times as pathogenic and once as a VUS (ClinVar). Heterozygous individuals have been described with spinocerebellar ataxia (PMID: 24272953, PMID: 30910913). Compound heterozygous individuals had optic neuropathy or spastic ataxia, where the heterozygous child or parent of these patients were not clinically affected, suggesting incomplete penetrance (PMID: 32219868, PMID: 34333379). (SP) 0807 - This variant has no previous evidence of pathogenicity. (I) 0905 - No published segregation evidence has been identified for this variant. (I) 1007 - No published functional evidence has been identified for this variant. (I) 1208 - Inheritance information for this variant is not currently available in this individual. (I) Legend: (SP) - Supporting pathogenic, (I) - Information, (SB) - Supporting benign

Literature cited by the submitters: PubMed 20208537; PubMed 24272953; PubMed 30910913; PubMed 32219868; PubMed 34333379.